The following is an entry in ClinVar:

NM_015450.3(POT1):c.986G>T (p.Cys329Phe)

Gene: POT1 (protection of telomeres 1; minus strand). Cytogenetic location: 7q31.33.
Variant type: single nucleotide variant.
Coding change: c.986G>T on transcript NM_015450.3 (MANE Select); coding-DNA position 986, G replaced by T.
Protein change: p.Cys329Phe; replaces cysteine 329 with phenylalanine.
Molecular consequence: missense variant. On other transcripts: non-coding transcript variant (3).
Genome position (GRCh38, 1-based): chr7:124,846,962, C>A on the plus strand (G>T on the coding strand, the complement: POT1 is on the minus strand). VCF-style: chr7-124846962-C-A. GRCh37 (hg19) VCF-style: chr7-124487016-C-A.
Other names: c.593G>T, p.Cys198Phe (NM_001042594.2); short protein forms C329F, C198F.
Identifiers: ClinVar variation 2197873 (VCV002197873.4), dbSNP rs1472832603, ClinGen allele CA369053739.
Genomic context (GRCh38, chr7:124,846,962, plus strand): 5'-TCATTACTGTGCCCATCTCAAAAATGATACATAGTCTTACTTGTAGCAGATAGCTGTTGA[C>A]ATCTTTCTACCTCGTATAATGATACTGATCCAGAGCCTATAAAAAGGAAAAGGCAAAAAA-3'
Protein context (NP_056265.2, residues 319-339): GSVSLYEVER[Cys329Phe]QQLSATILTD

ClinVar aggregate classification (germline): Uncertain significance (1 of 4 stars; one submission).

Conditions:
Tumor predisposition syndrome 3 (TPDS3). Also called: Melanoma, cutaneous malignant, susceptibility to, 10; Glioma susceptibility 9; LONG TELOMERE SYNDROME, POT1-RELATED; POT1 Tumor Predisposition. Identifiers: Orphanet 618, MedGen C4014476, MONDO:0014368, OMIM 615848.

Submission:

Labcorp Genetics (formerly Invitae), Labcorp
Classification: Uncertain significance for Tumor predisposition syndrome 3. Last evaluated: 2022-07-06. Review status: criteria provided, single submitter. Criteria: Invitae Variant Classification Sherloc (09022015). Collection method: clinical testing. Allele origin: germline.
Comment: In summary, the available evidence is currently insufficient to determine the role of this variant in disease. Therefore, it has been classified as a Variant of Uncertain Significance. Algorithms developed to predict the effect of missense changes on protein structure and function are either unavailable or do not agree on the potential impact of this missense change (SIFT: "Deleterious"; PolyPhen-2: "Possibly Damaging"; Align-GVGD: "Class C0"). This variant has not been reported in the literature in individuals affected with POT1-related conditions. This variant is not present in population databases (gnomAD no frequency). This sequence change replaces cysteine, which is neutral and slightly polar, with phenylalanine, which is neutral and non-polar, at codon 329 of the POT1 protein (p.Cys329Phe).